The following is an entry in ClinVar:

ClinVar aggregate classification (germline): Conflicting classifications of pathogenicity. Review status: criteria provided, conflicting classifications (1 of 4 stars). 2 submissions from 2 submitters: Uncertain significance (1); Likely benign (1). Last evaluated 2026-07-01.

Allele frequency attached by ClinVar (database versions not stated): gnomAD exomes below 0.00001 and 0.00008; gnomAD 0.00002; TOPMed 0.00003.
gnomAD v4.1: 114 of 1,613,848 alleles (0.0071%); highest among the groups gnomAD compares: Non-Finnish European, 0.0096%; no homozygotes.

Submissions (2):

CeGaT Center for Human Genetics Tuebingen
Classification: Likely benign. Last evaluated: 2026-07-01. Review status: criteria provided, single submitter. Criteria: CeGaT Center For Human Genetics Tuebingen Variant Classification Criteria Version 2. Collection method: clinical testing. Allele origin: germline. Affected: yes. Observed: 1 variant allele.
Comment: ARSG: BP4

Labcorp Genetics (formerly Invitae), Labcorp
Classification: Uncertain significance. Last evaluated: 2022-08-20. Review status: criteria provided, single submitter. Criteria: Invitae Variant Classification Sherloc (09022015). Collection method: clinical testing. Allele origin: germline.
Comment: This sequence change replaces asparagine, which is neutral and polar, with tyrosine, which is neutral and polar, at codon 149 of the ARSG protein (p.Asn149Tyr). This variant is present in population databases (no rsID available, gnomAD 0.0009%). This variant has not been reported in the literature in individuals affected with ARSG-related conditions. ClinVar contains an entry for this variant (Variation ID: 1509261). Algorithms developed to predict the effect of missense changes on protein structure and function are either unavailable or do not agree on the potential impact of this missense change (SIFT: "Deleterious"; PolyPhen-2: "Benign"; Align-GVGD: "Class C0"). In summary, the available evidence is currently insufficient to determine the role of this variant in disease. Therefore, it has been classified as a Variant of Uncertain Significance.

NM_001267727.2(ARSG):c.445A>T (p.Asn149Tyr)

Gene: ARSG (arylsulfatase G; plus strand). Cytogenetic location: 17q24.2.
Variant type: single nucleotide variant.
Coding change: c.445A>T on transcript NM_001267727.2 (MANE Select); coding-DNA position 445, A replaced by T.
Protein change: p.Asn149Tyr; replaces asparagine 149 with tyrosine.
Molecular consequence: missense variant. On other transcripts: intron variant (1).
Genome position (GRCh38, 1-based): chr17:68,347,163, A>T. VCF-style: chr17-68347163-A-T. GRCh37 (hg19) VCF-style: chr17-66343304-A-T.
Other names: c.445A>T, p.Asn149Tyr (NM_001352899.2, NM_001352900.2, NM_001352901.2 and 8 more transcripts); c.406+3372A>T (NM_001352909.2); short protein forms N149Y.
Identifiers: ClinVar variation 1509261 (VCV001509261.6), dbSNP rs913305935, ClinGen allele CA293283318.
Genomic context (GRCh38, chr17:68,347,163, plus strand): 5'-TCTCTCTTATGTTTTTCTACAGGCAAATGGCATCTTGGACACCACGGCTCTTATCACCCC[A>T]ACTTCCGTGGTAAGAATTCTTTTGGGGATTTGTTACCTGGGAAACAGAAAATAAAGGTCT-3'
Protein context (NP_001254656.1, residues 139-159): HLGHHGSYHP[Asn149Tyr]FRGFDYYFGI